The following is an entry in ClinVar:

ClinVar aggregate classification (germline): Pathogenic (1 of 4 stars; one submission).

Conditions:
Dyskeratosis congenita, autosomal recessive 5 (DKCB5). Identifiers: MedGen C3554656, MONDO:0014076, OMIM 615190.
Pulmonary fibrosis and/or bone marrow failure, Telomere-related, 3. Also called: PULMONARY FIBROSIS AND/OR BONE MARROW FAILURE SYNDROME, TELOMERE-RELATED, 3. Identifiers: Orphanet 2032, MedGen C4225346, MONDO:0014613, OMIM 616373.

Submission:

Labcorp Genetics (formerly Invitae), Labcorp
Classification: Pathogenic for Dyskeratosis congenita, autosomal recessive 5; Pulmonary fibrosis and/or bone marrow failure, Telomere-related, 3. Last evaluated: 2024-01-02. Review status: criteria provided, single submitter. Criteria: Invitae Variant Classification Sherloc (09022015). Collection method: clinical testing. Allele origin: germline.
Comment: This sequence change results in a frameshift in the RTEL1 gene (p.Arg1186Aspfs*178). While this is not anticipated to result in nonsense mediated decay, it is expected to disrupt the last 115 amino acid(s) of the RTEL1 protein and extend the protein by 62 additional amino acid residues. This variant is not present in population databases (gnomAD no frequency). This variant has not been reported in the literature in individuals affected with RTEL1-related conditions. ClinVar contains an entry for this variant (Variation ID: 1075174). This variant results in an extension of the RTEL1 protein. Other variant(s) that result in a similarly extended protein product (p.Gln1263Serfs*101) have been determined to be pathogenic (Invitae). This suggests that these extensions are likely to be disease-causing. For these reasons, this variant has been classified as Pathogenic.

NM_001283009.2(RTEL1):c.3553del (p.Arg1186fs)

Genes: RTEL1 (regulator of telomere elongation helicase 1; plus strand), RTEL1-TNFRSF6B (RTEL1-TNFRSF6B readthrough (NMD candidate); plus strand). Cytogenetic location: 20q13.33.
Variant type: Deletion.
Coding change: c.3553del on transcript NM_001283009.2 (MANE Select); coding-DNA position 3553, one base deleted (C; older notation c.3553delC).
Protein change: p.Arg1186fs; shifts the reading frame from arginine 1186.
Molecular consequence: frameshift variant. On other transcripts: non-coding transcript variant (1).
Genome position (GRCh38, 1-based): chr20:63,695,381, C deleted; the last of 2 consecutive C bases (chr20:63,695,380-63,695,381); deleting either gives the same sequence. VCF-style (leftmost placement, unchanged base first): chr20-63695379-TC-T. GRCh37 (hg19) VCF-style: chr20-62326732-TC-T.
Other names: c.2884del, p.Arg963fs (NM_001283010.1); c.3553del, p.Arg1186fs (NM_016434.4); c.3625del, p.Arg1210fs (NM_032957.5); short protein forms R1186fs, R1210fs, R963fs.
Identifiers: ClinVar variation 1075174 (VCV001075174.9), dbSNP rs1363124795, ClinGen allele CA746503388.